The following is an entry in ClinVar:

NM_001378454.1(ALMS1):c.12224A>G (p.Glu4075Gly)

Genes: ALMS1 (ALMS1 centrosome and basal body associated protein; plus strand), LOC126806252 (BRD4-independent group 4 enhancer GRCh37_chr2:73828496-73829695; plus strand). Cytogenetic location: 2p13.1.
Variant type: single nucleotide variant.
Coding change: c.12224A>G on transcript NM_001378454.1 (MANE Select); coding-DNA position 12224, A replaced by G.
Protein change: p.Glu4075Gly; replaces glutamic acid 4075 with glycine.
Molecular consequence: missense variant.
Genome position (GRCh38, 1-based): chr2:73,602,294, A>G. VCF-style: chr2-73602294-A-G. GRCh37 (hg19) VCF-style: chr2-73829421-A-G.
Other names: c.12227A>G, p.Glu4076Gly (NM_015120.4); short protein forms E4075G, E4076G.
Identifiers: ClinVar variation 4999482 (VCV004999482.1).
Genomic context (GRCh38, chr2:73,602,294, plus strand): 5'-GGATAAAGCGCCTGAAGTTAATAGTCCAGGAGAGGAAGCTGCAGAGCATGTTACAGACCG[A>G]GCGGGATGCACTATTCAACATTGACAGGGAACGGCAGGGCCACCAGAATCGCATGTGCCC-3'
Protein context (NP_001365383.1, residues 4065-4085): ERKLQSMLQT[Glu4075Gly]RDALFNIDRE

ClinVar aggregate classification (germline): Uncertain significance (1 of 4 stars; one submission).

Conditions:
ALMS1-related disorder. Also called: ALMS1-related condition.

Submission:

PreventionGenetics, part of Exact Sciences
Classification: Uncertain significance for ALMS1-related condition. Last evaluated: 2025-12-16. Review status: criteria provided, single submitter. Criteria: ACMG Guidelines, 2015. Collection method: clinical testing. Allele origin: germline.
Comment: The ALMS1 c.12227A>G variant is predicted to result in the amino acid substitution p.Asp4076Gly. To our knowledge, this variant has not been reported in the literature. This variant is reported in 0.00077% of alleles in individuals of European (Non-Finnish) descent in gnomAD. At this time, the clinical significance of this variant is uncertain due to the absence of conclusive functional and genetic evidence.